The following is an entry in ClinVar:

ClinVar aggregate classification (germline): Uncertain significance (1 of 4 stars; one submission).

Submission:

Women's Health and Genetics/Laboratory Corporation of America, LabCorp
Classification: Uncertain significance. Last evaluated: 2025-09-04. Review status: criteria provided, single submitter. Criteria: LabCorp Variant Classification Summary - May 2015. Collection method: clinical testing. Allele origin: germline.
Comment: Variant summary: EIF2AK3 c.2812C>T (p.Leu938Phe) results in a non-conservative amino acid change in the encoded protein sequence. Algorithms developed to predict the effect of missense changes on protein structure and function are either unavailable or do not agree on the potential impact of this missense change. The variant was absent in 250762 control chromosomes. The available data on variant occurrences in the general population are insufficient to allow any conclusion about variant significance. c.2812C>T has been observed in at least one compound heterozygous child with neonatal diabetes mellitus who given a tentative diagnosis of Wolcott-Rallison dysplasia based on their molecular test result (example: Nayak_2021). This report does not provide unequivocal conclusions about association of the variant with Wolcott-Rallison dysplasia. To our knowledge, no experimental evidence demonstrating an impact on protein function has been reported. The following publication has been ascertained in the context of this evaluation (PMID: 33409956). No submitters have cited clinical-significance assessments for this variant to ClinVar. Based on the evidence outlined above, the variant was classified as uncertain significance.

Literature cited by the submitters: PubMed 33409956; PubMed 34463036.

NM_004836.7(EIF2AK3):c.2812C>T (p.Leu938Phe)

Genes: EIF2AK3 (eukaryotic translation initiation factor 2 alpha kinase 3; minus strand), EIF2AK3-AS1 (EIF2AK3 antisense RNA 1; plus strand). Cytogenetic location: 2p11.2.
Variant type: single nucleotide variant.
Coding change: c.2812C>T on transcript NM_004836.7 (MANE Select); coding-DNA position 2812, C replaced by T.
Protein change: p.Leu938Phe; replaces leucine 938 with phenylalanine.
Molecular consequence: missense variant. On other transcripts: non-coding transcript variant (1).
Genome position (GRCh38, 1-based): chr2:88,574,671, G>A on the plus strand (C>T on the coding strand, the complement: EIF2AK3 is on the minus strand). VCF-style: chr2-88574671-G-A. GRCh37 (hg19) VCF-style: chr2-88874189-G-A.
Other names: c.2359C>T, p.Leu787Phe (NM_001313915.2); short protein forms L787F, L938F.
Identifiers: ClinVar variation 4535762 (VCV004535762.1).